The following is an entry in ClinVar:

ClinVar aggregate classification (germline): Uncertain significance (1 of 4 stars; one submission).

gnomAD v4.1: 1 of 1,614,076 alleles (0.000062%); highest among the groups gnomAD compares: Admixed American, 0.0017%; no homozygotes.

Submission:

Labcorp Genetics (formerly Invitae), Labcorp
Classification: Uncertain significance. Last evaluated: 2025-02-26. Review status: criteria provided, single submitter. Criteria: Invitae Variant Classification Sherloc (09022015). Collection method: clinical testing. Allele origin: germline.
Comment: This sequence change replaces proline, which is neutral and non-polar, with serine, which is neutral and polar, at codon 1084 of the BRD4 protein (p.Pro1084Ser). This variant is not present in population databases (gnomAD no frequency). This variant has not been reported in the literature in individuals affected with BRD4-related conditions. An algorithm developed to predict the effect of missense changes on protein structure and function (PolyPhen-2) suggests that this variant is likely to be disruptive. In summary, the available evidence is currently insufficient to determine the role of this variant in disease. Therefore, it has been classified as a Variant of Uncertain Significance.

NM_001379291.1(BRD4):c.3250C>T (p.Pro1084Ser)

Gene: BRD4 (bromodomain containing 4; minus strand). Cytogenetic location: 19p13.12.
Variant type: single nucleotide variant.
Coding change: c.3250C>T on transcript NM_001379291.1 (MANE Select); coding-DNA position 3250, C replaced by T.
Protein change: p.Pro1084Ser; replaces proline 1084 with serine.
Molecular consequence: missense variant.
Genome position (GRCh38, 1-based): chr19:15,239,942, G>A on the plus strand (C>T on the coding strand, the complement: BRD4 is on the minus strand). VCF-style: chr19-15239942-G-A. GRCh37 (hg19) VCF-style: chr19-15350753-G-A.
Other names: c.3250C>T, p.Pro1084Ser (NM_058243.3); short protein forms P1084S.
Identifiers: ClinVar variation 4747825 (VCV004747825.1).